The following is an entry in ClinVar:

NM_024675.4(PALB2):c.1313A>G (p.Lys438Arg)

Gene: PALB2 (partner and localizer of BRCA2; minus strand). Cytogenetic location: 16p12.2.
Variant type: single nucleotide variant.
Coding change: c.1313A>G on transcript NM_024675.4 (MANE Select); coding-DNA position 1313, A replaced by G.
Protein change: p.Lys438Arg; replaces lysine 438 with arginine.
Molecular consequence: missense variant. On other transcripts: intron variant (3).
Genome position (GRCh38, 1-based): chr16:23,635,233, T>C on the plus strand (A>G on the coding strand, the complement: PALB2 is on the minus strand). VCF-style: chr16-23635233-T-C. GRCh37 (hg19) VCF-style: chr16-23646554-T-C.
Other names: c.1253A>G, p.Lys418Arg (NM_001407296.1); c.1313A>G, p.Lys438Arg (NM_001407297.1, NM_001407298.1, NM_001407299.1 and 3 more transcripts); c.428A>G, p.Lys143Arg (NM_001407304.1, NM_001407305.1, NM_001407306.1 and 5 more transcripts); c.48+5877A>G (NM_001407314.1); c.-104-4764A>G (NM_001407313.1, NM_001407312.1); short protein forms K418R, K438R, K143R.
Identifiers: ClinVar variation 2862094 (VCV002862094.3), dbSNP rs2142419663, ClinGen allele CA395132388.
Genomic context (GRCh38, chr16:23,635,233, plus strand): 5'-GTTTCCTCATTGGAAAGGTTTAAATTTTTACTTGCATCCTTATTTTTATTTTTAAACCCT[T>C]TTTTCTTGACATCCAAATGACTCTGAATGACAGCCTCCACGGCTACTTTCCTCTGGCAAT-3'
Protein context (NP_078951.2, residues 428-448): VIQSHLDVKK[Lys438Arg]GFKNKNKDAS

ClinVar aggregate classification (germline): Uncertain significance (1 of 4 stars; one submission).

Conditions:
Familial cancer of breast. Also called: hereditary breast carcinoma; Hereditary breast cancer; BREAST CANCER, FAMILIAL. Identifiers: Orphanet 227535, MedGen C0346153, MONDO:0016419, OMIM 114480. Disease mechanism: loss of function.

Submission:

Labcorp Genetics (formerly Invitae), Labcorp
Classification: Uncertain significance for Familial cancer of breast. Last evaluated: 2023-05-05. Review status: criteria provided, single submitter. Criteria: Invitae Variant Classification Sherloc (09022015). Collection method: clinical testing. Allele origin: germline.
Comment: Advanced modeling of protein sequence and biophysical properties (such as structural, functional, and spatial information, amino acid conservation, physicochemical variation, residue mobility, and thermodynamic stability) has been performed at Invitae for this missense variant, however the output from this modeling did not meet the statistical confidence thresholds required to predict the impact of this variant on PALB2 protein function. This variant has not been reported in the literature in individuals affected with PALB2-related conditions. This variant is not present in population databases (gnomAD no frequency). This sequence change replaces lysine, which is basic and polar, with arginine, which is basic and polar, at codon 438 of the PALB2 protein (p.Lys438Arg). In summary, the available evidence is currently insufficient to determine the role of this variant in disease. Therefore, it has been classified as a Variant of Uncertain Significance.